The following is an entry in ClinVar:

NM_001372.4(DNAH9):c.10853C>T (p.Thr3618Met)

Genes: DNAH9 (dynein axonemal heavy chain 9; plus strand), LOC101928350 (uncharacterized LOC101928350; minus strand). Cytogenetic location: 17p12.
Variant type: single nucleotide variant.
Coding change: c.10853C>T on transcript NM_001372.4 (MANE Select); coding-DNA position 10853, C replaced by T.
Protein change: p.Thr3618Met; replaces threonine 3618 with methionine.
Molecular consequence: missense variant. On other transcripts: 5 prime UTR variant (1).
Genome position (GRCh38, 1-based): chr17:11,883,632, C>T. VCF-style: chr17-11883632-C-T. GRCh37 (hg19) VCF-style: chr17-11786949-C-T.
Other names: c.-212C>T (NM_004662.2); c.10853C>T (NM_001372.3); short protein forms T3618M.
Identifiers: ClinVar variation 1653887 (VCV001653887.14), dbSNP rs201246193, ClinGen allele CA8397655.

ClinVar aggregate classification (germline): Conflicting classifications of pathogenicity. Review status: criteria provided, conflicting classifications (1 of 4 stars). 5 submissions from 5 submitters: Uncertain significance (1); Benign (1); Likely benign (2). 1 of the submissions does not count toward it. Last evaluated 2026-01-06.

Conditions:
Ciliary dyskinesia, primary, 40. Also called: CILIARY DYSKINESIA, PRIMARY, 40, WITH OR WITHOUT SITUS INVERSUS. Identifiers: MedGen C4749028, MONDO:0032664, OMIM 618300.
Inborn genetic diseases. Identifiers: MedGen C0950123, MeSH D030342.
DNAH9-related disorder. Also called: DNAH9-related condition.

Allele frequency attached by ClinVar (database versions not stated): gnomAD 0.00011 and 0.00020; TOPMed 0.00011; gnomAD exomes 0.00018 and 0.00053; ExAC 0.00058; 1000 Genomes Project 0.00160; 1000 Genomes Project 30x 0.00172.

Submissions (5):

Labcorp Genetics (formerly Invitae), Labcorp
Classification: Benign. Last evaluated: 2026-01-06. Review status: criteria provided, single submitter. Criteria: Invitae Variant Classification Sherloc (09022015). Collection method: clinical testing. Allele origin: germline.

Ambry Genetics
Classification: Uncertain significance for Inborn genetic diseases. Last evaluated: 2025-07-16. Review status: criteria provided, single submitter. Criteria: Ambry Variant Classification Scheme 2023. Collection method: clinical testing. Allele origin: germline.

Blueprint Genetics
Classification: Likely benign. Last evaluated: 2024-05-30. Review status: criteria provided, single submitter. Criteria: ACMG Guidelines, 2015. Collection method: clinical testing. Allele origin: germline.

Fulgent Genetics
Classification: Likely benign for Ciliary dyskinesia, primary, 40. Last evaluated: 2022-01-05. Review status: criteria provided, single submitter. Criteria: ACMG Guidelines, 2015. Collection method: clinical testing. Allele origin: unknown.

PreventionGenetics, part of Exact Sciences
Classification: Uncertain significance for DNAH9-related condition. Last evaluated: 2023-11-10. Review status: no assertion criteria provided. Collection method: clinical testing. Allele origin: germline. Not counted in ClinVar's aggregate classification.
Comment: The DNAH9 c.10853C>T variant is predicted to result in the amino acid substitution p.Thr3618Met. This variant was reported in an individual with spermatogenic failure (ID: O14, Hardy et al. 2022. PubMed ID: 35849255). This variant is reported in 0.25% of alleles in individuals of South Asian descent in gnomAD, including two homozygous individuals. At this time, the clinical significance of this variant is uncertain due to the absence of conclusive functional and genetic evidence.